The following is an entry in ClinVar:

NM_000760.4(CSF3R):c.1840C>T (p.Leu614Phe)

Gene: CSF3R (colony stimulating factor 3 receptor; minus strand). Cytogenetic location: 1p34.3.
Variant type: single nucleotide variant.
Coding change: c.1840C>T on transcript NM_000760.4 (MANE Select); coding-DNA position 1840, C replaced by T.
Protein change: p.Leu614Phe; replaces leucine 614 with phenylalanine.
Molecular consequence: missense variant.
Genome position (GRCh38, 1-based): chr1:36,467,846, G>A on the plus strand (C>T on the coding strand, the complement: CSF3R is on the minus strand). VCF-style: chr1-36467846-G-A. GRCh37 (hg19) VCF-style: chr1-36933447-G-A.
Other names: c.1840C>T, p.Leu614Phe (NM_156039.3, NM_172313.3); short protein forms L614F.
Identifiers: ClinVar variation 3611351 (VCV003611351.2).

ClinVar aggregate classification (germline): Uncertain significance (1 of 4 stars; one submission).

Conditions:
Autosomal recessive severe congenital neutropenia due to CSF3R deficiency. Also called: Neutropenia, severe congenital, 7, autosomal recessive. Identifiers: Orphanet 420702, MedGen C4310764, MONDO:0014865, OMIM 617014.

Submission:

Labcorp Genetics (formerly Invitae), Labcorp
Classification: Uncertain significance for Autosomal recessive severe congenital neutropenia due to CSF3R deficiency. Last evaluated: 2025-08-27. Review status: criteria provided, single submitter. Criteria: Invitae Variant Classification Sherloc (09022015). Collection method: clinical testing. Allele origin: germline.
Comment: This sequence change replaces leucine, which is neutral and non-polar, with phenylalanine, which is neutral and non-polar, at codon 614 of the CSF3R protein (p.Leu614Phe). This variant is not present in population databases (gnomAD no frequency). This variant has not been reported in the literature in individuals affected with CSF3R-related conditions. ClinVar contains an entry for this variant (Variation ID: 3611351). Invitae Evidence Modeling of protein sequence and biophysical properties (such as structural, functional, and spatial information, amino acid conservation, physicochemical variation, residue mobility, and thermodynamic stability) indicates that this missense variant is expected to disrupt CSF3R protein function with a positive predictive value of 80%. In summary, the available evidence is currently insufficient to determine the role of this variant in disease. Therefore, it has been classified as a Variant of Uncertain Significance.